The following is an entry in ClinVar:

ClinVar aggregate classification (germline): Pathogenic (1 of 4 stars; one submission).

Submission:

GeneDx
Classification: Pathogenic. Last evaluated: 2017-01-25. Review status: criteria provided, single submitter. Criteria: GeneDx Variant Classification (06012015). Collection method: clinical testing. Allele origin: germline. Affected: yes.
Comment: Although the c.1491_1494delAGAG pathogenic variant in the RASA1 gene has not been reported to our knowledge, this variant causes a shift in reading frame starting at codon Glutamic acid 498, changing it to a Valine, and creating a premature stop codon at position 21 of the new reading frame, denoted p.Glu498ValfsX21. This pathogenic variant is expected to result in either an abnormal, truncated protein product or loss of protein from this allele through nonsense-mediated mRNA decay. Other downstream frameshift variants in the RASA1 gene have been reported in HGMD in association with capillary/arteriovenous malformations (Stenson et al., 2014). Furthermore, the c.1491_1494delAGAG variant was not observed in approximately 6,500 individuals of European and African American ancestry in the NHLBI Exome Sequencing Project, indicating it is not a common benign variant in these populations.In summary, c.1491_1494delAGAG in the RASA1 gene is interpreted as a pathogenic variant.

NM_002890.3(RASA1):c.1491_1494del (p.Glu498fs)

Genes: CCNH (cyclin H; minus strand), RASA1 (RAS p21 protein activator 1; plus strand). Cytogenetic location: 5q14.3.
Variant type: Deletion.
Coding change: c.1491_1494del on transcript NM_002890.3 (MANE Select); coding-DNA positions 1491 to 1494, 4 bases deleted (AGAG; older notation c.1491_1494delAGAG).
Protein change: p.Glu498fs; shifts the reading frame from glutamic acid 498.
Molecular consequence: frameshift variant. On other transcripts: intron variant (1).
Genome position (GRCh38, 1-based): chr5:87,363,385-87,363,388, AGAG deleted. VCF-style (leftmost placement, unchanged base first): chr5-87363384-TAGAG-T. GRCh37 (hg19) VCF-style: chr5-86659201-TAGAG-T.
Other names: c.960_963del, p.Glu321fs (NM_022650.3); c.933+31656_933+31659del (NM_001364075.2); short protein forms E321fs, E498fs.
Identifiers: ClinVar variation 423107 (VCV000423107.4), dbSNP rs1064796232, ClinGen allele CA16618216.
Genomic context (GRCh38, chr5:87,363,384, plus strand): 5'-AAAACAATTTTTTTTTTTAAACAGGCAAAGGAAAACGTTGGAAAAATTTATATTTTATCT[TAGAG>T]GGTAGTGATGCCCAACTTATTTATTTTGAAAGCGAAAAACGAGCTACCAAACCAAAAGGA-3'